The following is an entry in ClinVar:

ClinVar aggregate classification (germline): Uncertain significance (1 of 4 stars; one submission).

Submission:

Labcorp Genetics (formerly Invitae), Labcorp
Classification: Uncertain significance. Last evaluated: 2023-06-29. Review status: criteria provided, single submitter. Criteria: Invitae Variant Classification Sherloc (09022015). Collection method: clinical testing. Allele origin: germline.
Comment: This variant has not been reported in the literature in individuals affected with DISP1-related conditions. This variant is not present in population databases (gnomAD no frequency). This sequence change replaces phenylalanine, which is neutral and non-polar, with cysteine, which is neutral and slightly polar, at codon 840 of the DISP1 protein (p.Phe840Cys). ClinVar contains an entry for this variant (Variation ID: 2016807). In summary, the available evidence is currently insufficient to determine the role of this variant in disease. Therefore, it has been classified as a Variant of Uncertain Significance. An algorithm developed to predict the effect of missense changes on protein structure and function (PolyPhen-2) suggests that this variant is likely to be disruptive.

NM_001377229.1(DISP1):c.2519T>G (p.Phe840Cys)

Gene: DISP1 (dispatched RND transporter family member 1; plus strand). Cytogenetic location: 1q41.
Variant type: single nucleotide variant.
Coding change: c.2519T>G on transcript NM_001377229.1 (MANE Select); coding-DNA position 2519, T replaced by G.
Protein change: p.Phe840Cys; replaces phenylalanine 840 with cysteine.
Molecular consequence: missense variant.
Genome position (GRCh38, 1-based): chr1:223,003,916, T>G. VCF-style: chr1-223003916-T-G. GRCh37 (hg19) VCF-style: chr1-223177258-T-G.
Other names: c.1790T>G, p.Phe597Cys (NM_001350630.2); c.2519T>G, p.Phe840Cys (NM_001369594.1, NM_001377228.1, NM_032890.5); short protein forms F597C, F840C.
Identifiers: ClinVar variation 2016807 (VCV002016807.4), dbSNP rs754113301, ClinGen allele CA344681968.